The following is an entry in ClinVar:

ClinVar aggregate classification (germline): Uncertain significance. Review status: criteria provided, multiple submitters, no conflicts (2 of 4 stars). 3 submissions from 3 submitters: Uncertain significance (3). Last evaluated 2026-07-10.

Conditions:
Inborn genetic diseases. Identifiers: MedGen C0950123, MeSH D030342.
GANAB-related disorder. Also called: GANAB-related condition.

Allele frequency attached by ClinVar (database versions not stated): ExAC 0.00001; gnomAD 0.00001; TOPMed 0.00001; gnomAD exomes 0.00006; ESP Exome Variant Server 0.00008.

Submissions (3):

PreventionGenetics, part of Exact Sciences
Classification: Uncertain significance for GANAB-related condition. Last evaluated: 2026-07-10. Review status: criteria provided, single submitter. Criteria: ACMG Guidelines, 2015. Collection method: clinical testing. Allele origin: germline.
Comment: The GANAB c.1753T>C variant is predicted to result in the amino acid substitution p.Tyr585His. To our knowledge, this variant has not been reported in the literature. This variant is reported in 0.0040% of alleles in individuals of African descent in gnomAD. At this time, the clinical significance of this variant is uncertain due to the absence of conclusive functional and genetic evidence.

Labcorp Genetics (formerly Invitae), Labcorp
Classification: Uncertain significance. Last evaluated: 2025-10-21. Review status: criteria provided, single submitter. Criteria: Invitae Variant Classification Sherloc (09022015). Collection method: clinical testing. Allele origin: germline.
Comment: This sequence change replaces tyrosine, which is neutral and polar, with histidine, which is basic and polar, at codon 585 of the GANAB protein (p.Tyr585His). This variant is present in population databases (rs374969645, gnomAD 0.004%). This variant has not been reported in the literature in individuals affected with GANAB-related conditions. ClinVar contains an entry for this variant (Variation ID: 3098286). Invitae Evidence Modeling of protein sequence and biophysical properties (such as structural, functional, and spatial information, amino acid conservation, physicochemical variation, residue mobility, and thermodynamic stability) indicates that this missense variant is not expected to disrupt GANAB protein function with a negative predictive value of 80%. In summary, the available evidence is currently insufficient to determine the role of this variant in disease. Therefore, it has been classified as a Variant of Uncertain Significance.

Ambry Genetics
Classification: Uncertain significance for Inborn genetic diseases. Last evaluated: 2023-12-12. Review status: criteria provided, single submitter. Criteria: Ambry Variant Classification Scheme 2023. Collection method: clinical testing. Allele origin: germline.

NM_198334.3(GANAB):c.1687T>C (p.Tyr563His)

Gene: GANAB (glucosidase II alpha subunit; minus strand). Cytogenetic location: 11q12.3.
Variant type: single nucleotide variant.
Coding change: c.1687T>C on transcript NM_198334.3 (MANE Select); coding-DNA position 1687, T replaced by C.
Protein change: p.Tyr563His; replaces tyrosine 563 with histidine.
Molecular consequence: missense variant.
Genome position (GRCh38, 1-based): chr11:62,629,864, A>G on the plus strand (T>C on the coding strand, the complement: GANAB is on the minus strand). VCF-style: chr11-62629864-A-G. GRCh37 (hg19) VCF-style: chr11-62397336-A-G.
Other names: c.1753T>C (NM_198335.3); c.1411T>C, p.Tyr471His (NM_001278192.2); c.1345T>C, p.Tyr449His (NM_001278193.2); c.1396T>C, p.Tyr466His (NM_001278194.2, NM_001329222.2, NM_001329223.2); c.964T>C, p.Tyr322His (NM_001329224.2, NM_001329225.2); c.1753T>C, p.Tyr585His (NM_198335.4); short protein forms Y322H, Y471H, Y466H, Y563H, Y585H, Y449H.
Identifiers: ClinVar variation 3098286 (VCV003098286.4), dbSNP rs374969645, ClinGen allele CA6050699.